The following is an entry in ClinVar:

NM_138477.4(CDAN1):c.237G>T (p.Ser79=)

Genes: CDAN1 (codanin 1; minus strand), LOC130056931 (ATAC-STARR-seq lymphoblastoid silent region 6376; plus strand). Cytogenetic location: 15q15.2.
Variant type: single nucleotide variant.
Coding change: c.237G>T on transcript NM_138477.4 (MANE Select); coding-DNA position 237, G replaced by T.
Protein change: p.Ser79=; no amino-acid change (serine 79 retained).
Molecular consequence: synonymous variant.
Genome position (GRCh38, 1-based): chr15:42,736,634, C>A on the plus strand (G>T on the coding strand, the complement: CDAN1 is on the minus strand). VCF-style: chr15-42736634-C-A. GRCh37 (hg19) VCF-style: chr15-43028832-C-A.
Identifiers: ClinVar variation 4821774 (VCV004821774.4).

ClinVar aggregate classification (germline): Likely benign (1 of 4 stars; one submission).

gnomAD v4.1: 22 of 1,515,612 alleles (0.0015%); highest among the groups gnomAD compares: Admixed American, 0.032%; no homozygotes.

Submission:

CeGaT Center for Human Genetics Tuebingen
Classification: Likely benign. Last evaluated: 2026-01-01. Review status: criteria provided, single submitter. Criteria: CeGaT Center For Human Genetics Tuebingen Variant Classification Criteria Version 2. Collection method: clinical testing. Allele origin: germline. Affected: yes. Observed: 1 variant allele.
Comment: CDAN1: BP4, BP7